The following is an entry in ClinVar:

ClinVar aggregate classification (germline): Uncertain significance. Review status: criteria provided, multiple submitters, no conflicts (2 of 4 stars). 2 submissions from 2 submitters: Uncertain significance (2). Last evaluated 2022-12-15.

Conditions:
Inborn genetic diseases. Identifiers: MedGen C0950123, MeSH D030342.
Combined immunodeficiency due to DOCK8 deficiency (HIES2). Also called: HIES autosomal recessive; Hyper-IgE recurrent infection syndrome, autosomal recessive; DOCK8 Deficiency; HYPER-IgE RECURRENT INFECTION SYNDROME 2, AUTOSOMAL RECESSIVE; HYPER-IgE SYNDROME 2, AUTOSOMAL RECESSIVE, WITH RECURRENT INFECTIONS. Identifiers: Orphanet 217390, MedGen C4722305, MONDO:0009478, OMIM 243700.

Allele frequency attached by ClinVar (database versions not stated): gnomAD exomes below 0.00001 and 0.00001; TOPMed below 0.00001; ExAC 0.00001; gnomAD 0.00003.
gnomAD v4.1: 16 of 1,613,262 alleles (0.00099%); highest among the groups gnomAD compares: African/African-American, 0.0013%; no homozygotes.

Submissions (2):

Ambry Genetics
Classification: Uncertain significance for Inborn genetic diseases. Last evaluated: 2022-12-15. Review status: criteria provided, single submitter. Criteria: Ambry Variant Classification Scheme 2023. Collection method: clinical testing. Allele origin: germline.

Labcorp Genetics (formerly Invitae), Labcorp
Classification: Uncertain significance for Combined immunodeficiency due to DOCK8 deficiency. Last evaluated: 2021-08-20. Review status: criteria provided, single submitter. Criteria: Invitae Variant Classification Sherloc (09022015). Collection method: clinical testing. Allele origin: germline.
Comment: This sequence change replaces lysine with arginine at codon 298 of the DOCK8 protein (p.Lys298Arg). The lysine residue is highly conserved and there is a small physicochemical difference between lysine and arginine. This variant is present in population databases (rs759089561, ExAC 0.001%). This variant has not been reported in the literature in individuals affected with DOCK8-related conditions. Algorithms developed to predict the effect of missense changes on protein structure and function are either unavailable or do not agree on the potential impact of this missense change (SIFT: "Deleterious"; PolyPhen-2: "Probably Damaging"; Align-GVGD: "Class C0"). In summary, the available evidence is currently insufficient to determine the role of this variant in disease. Therefore, it has been classified as a Variant of Uncertain Significance.

NM_203447.4(DOCK8):c.893A>G (p.Lys298Arg)

Gene: DOCK8 (dedicator of cytokinesis 8; plus strand). Cytogenetic location: 9p24.3.
Variant type: single nucleotide variant.
Coding change: c.893A>G on transcript NM_203447.4 (MANE Select); coding-DNA position 893, A replaced by G.
Protein change: p.Lys298Arg; replaces lysine 298 with arginine.
Molecular consequence: missense variant.
Genome position (GRCh38, 1-based): chr9:325,736, A>G. VCF-style: chr9-325736-A-G. GRCh37 (hg19) VCF-style: chr9-325736-A-G.
Other names: c.893A>G (NM_203447.3); c.689A>G, p.Lys230Arg (NM_001190458.2, NM_001193536.2); short protein forms K230R, K298R.
Identifiers: ClinVar variation 1359766 (VCV001359766.6), dbSNP rs759089561, ClinGen allele CA4957501.